The following is an entry in ClinVar:

ClinVar aggregate classification (germline): Uncertain significance. Review status: criteria provided, multiple submitters, no conflicts (2 of 4 stars). 3 submissions from 3 submitters: Uncertain significance (3). Last evaluated 2023-12-17.

Conditions:
Hereditary cancer-predisposing syndrome. Also called: Tumor predisposition; Hereditary neoplastic syndrome; Hereditary Cancer Syndrome; Neoplastic Syndromes, Hereditary. Identifiers: Orphanet 140162, MedGen C0027672, MeSH D009386, MONDO:0015356.
Nijmegen breakage syndrome-like disorder (NBSLD). Also called: MICROCEPHALY AND SPONTANEOUS CHROMOSOME INSTABILITY WITHOUT IMMUNODEFICIENCY; NBS-LIKE DISORDER; RAD50 DEFICIENCY. Identifiers: Orphanet 240760, MedGen C2751318, MONDO:0013118, OMIM 613078.

Allele frequency attached by ClinVar (database versions not stated): gnomAD exomes below 0.00001.
gnomAD v4.1: 1 of 1,613,880 alleles (0.000062%); highest among the groups gnomAD compares: South Asian, 0.0011%; no homozygotes.

Submissions (3):

Baylor Genetics
Classification: Uncertain significance for Nijmegen breakage syndrome-like disorder. Last evaluated: 2023-12-17. Review status: criteria provided, single submitter. Criteria: ACMG Guidelines, 2015. Collection method: clinical testing. Allele origin: unknown.

Women's Health and Genetics/Laboratory Corporation of America, LabCorp
Classification: Uncertain significance. Last evaluated: 2022-09-08. Review status: criteria provided, single submitter. Criteria: LabCorp Variant Classification Summary - May 2015. Collection method: clinical testing. Allele origin: germline.

Labcorp Genetics (formerly Invitae), Labcorp
Classification: Uncertain significance for Hereditary cancer-predisposing syndrome. Last evaluated: 2019-09-11. Review status: criteria provided, single submitter. Criteria: Invitae Variant Classification Sherloc (09022015). Collection method: clinical testing. Allele origin: germline.
Comment: This variant has not been reported in the literature in individuals with RAD50-related conditions. Algorithms developed to predict the effect of missense changes on protein structure and function (SIFT, PolyPhen-2, Align-GVGD) all suggest that this variant is likely to be tolerated, but these predictions have not been confirmed by published functional studies and their clinical significance is uncertain. In summary, the available evidence is currently insufficient to determine the role of this variant in disease. Therefore, it has been classified as a Variant of Uncertain Significance. This variant is not present in population databases (ExAC no frequency). This sequence change replaces arginine with glycine at codon 644 of the RAD50 protein (p.Arg644Gly). The arginine residue is moderately conserved and there is a moderate physicochemical difference between arginine and glycine.

NM_005732.4(RAD50):c.1930A>G (p.Arg644Gly)

Gene: RAD50 (RAD50 double strand break repair protein; plus strand). Cytogenetic location: 5q31.1.
Variant type: single nucleotide variant.
Coding change: c.1930A>G on transcript NM_005732.4 (MANE Select); coding-DNA position 1930, A replaced by G.
Protein change: p.Arg644Gly; replaces arginine 644 with glycine.
Molecular consequence: missense variant.
Genome position (GRCh38, 1-based): chr5:132,595,005, A>G. VCF-style: chr5-132595005-A-G. GRCh37 (hg19) VCF-style: chr5-131930697-A-G.
Other names: short protein forms R644G.
Identifiers: ClinVar variation 937770 (VCV000937770.12), dbSNP rs876659631, ClinGen allele CA360948338.